The following is an entry in ClinVar:

NM_001029896.2(WDR45):c.956A>T (p.Asn319Ile)

Gene: WDR45 (WD repeat domain 45; minus strand). Cytogenetic location: Xp11.23.
Variant type: single nucleotide variant.
Coding change: c.956A>T on transcript NM_001029896.2 (MANE Select); coding-DNA position 956, A replaced by T.
Protein change: p.Asn319Ile; replaces asparagine 319 with isoleucine.
Molecular consequence: missense variant.
Genome position (GRCh38, 1-based): chrX:49,075,153, T>A on the plus strand (A>T on the coding strand, the complement: WDR45 is on the minus strand). VCF-style: chrX-49075153-T-A. GRCh37 (hg19) VCF-style: chrX-48932812-T-A.
Other names: c.959A>T, p.Asn320Ile (NM_007075.4); short protein forms N319I, N320I.
Identifiers: ClinVar variation 1693013 (VCV001693013.2), dbSNP rs2147814777, ClinGen allele CA412941873.

ClinVar aggregate classification (germline): Uncertain significance (1 of 4 stars; one submission).

Submission:

GeneDx
Classification: Uncertain significance. Last evaluated: 2022-06-24. Review status: criteria provided, single submitter. Criteria: GeneDx Variant Classification Process June 2021. Collection method: clinical testing. Allele origin: germline. Affected: yes.
Comment: Not observed in large population cohorts (gnomAD); In silico analysis supports that this missense variant does not alter protein structure/function; Has not been previously published as pathogenic or benign to our knowledge